The following is an entry in ClinVar:

NM_004006.3(DMD):c.4846-1G>T

Gene: DMD (dystrophin; minus strand). Cytogenetic location: Xp21.1.
Variant type: single nucleotide variant.
Coding change: c.4846-1G>T on transcript NM_004006.3 (MANE Select); the canonical splice acceptor site of the intron before coding-DNA position 4846, G replaced by T.
Molecular consequence: splice acceptor variant.
Genome position (GRCh38, 1-based): chrX:32,365,200, C>A on the plus strand (G>T on the coding strand, the complement: DMD is on the minus strand). VCF-style: chrX-32365200-C-A. GRCh37 (hg19) VCF-style: chrX-32383317-C-A.
Other names: c.4822-1G>T (NM_000109.4); c.823-1G>T (NM_004011.4); c.814-1G>T (NM_004012.4); c.4834-1G>T (NM_004009.3); c.4477-1G>T (NM_004010.3).
Identifiers: ClinVar variation 663374 (VCV000663374.7), dbSNP rs1603631757, ClinGen allele CA412672665.

ClinVar aggregate classification (germline): Likely pathogenic (1 of 4 stars; one submission).

Conditions:
Duchenne muscular dystrophy (DMD). Also called: MUSCULAR DYSTROPHY, PSEUDOHYPERTROPHIC PROGRESSIVE, DUCHENNE TYPE; Duchenne Muscular Dystrophy (DMD). Identifiers: Orphanet 98896, MedGen C0013264, MONDO:0010679, OMIM 310200.

Submission:

Labcorp Genetics (formerly Invitae), Labcorp
Classification: Likely pathogenic for Duchenne muscular dystrophy. Last evaluated: 2018-11-15. Review status: criteria provided, single submitter. Criteria: Invitae Variant Classification Sherloc (09022015). Collection method: clinical testing. Allele origin: germline.
Comment: In summary, the currently available evidence indicates that the variant is pathogenic, but additional data are needed to prove that conclusively. Therefore, this variant has been classified as Likely Pathogenic. This sequence change affects an acceptor splice site in intron 34 of the DMD gene. It is expected to disrupt RNA splicing and likely results in an absent or disrupted protein product. This variant is not present in population databases (ExAC no frequency). This variant has not been reported in the literature in individuals with DMD-related disease. Algorithms developed to predict the effect of sequence changes on RNA splicing suggest that this variant may disrupt the consensus splice site, but this prediction has not been confirmed by published transcriptional studies. Donor and acceptor splice site variants typically lead to a loss of protein function (PMID: 16199547), and loss-of-function variants in DMD are known to be pathogenic (PMID: 16770791, 25007885).

Literature cited by the submitters: PubMed 16199547; PubMed 16770791; PubMed 25007885.